The following is an entry in ClinVar:

ClinVar aggregate classification (germline): Uncertain significance. Review status: criteria provided, multiple submitters, no conflicts (2 of 4 stars). 2 submissions from 2 submitters: Uncertain significance (2). Last evaluated 2023-06-08.

Allele frequency attached by ClinVar (database versions not stated): gnomAD 0.00007 and 0.00009; TOPMed 0.00008; gnomAD exomes 0.00015; ExAC 0.00017.

Submissions (2):

GeneDx
Classification: Uncertain significance. Last evaluated: 2023-06-08. Review status: criteria provided, single submitter. Criteria: GeneDx Variant Classification Process June 2021. Collection method: clinical testing. Allele origin: germline. Affected: yes.
Comment: In silico analysis supports that this missense variant has a deleterious effect on protein structure/function; Has not been previously published as pathogenic or benign to our knowledge

Laboratory for Molecular Medicine, Mass General Brigham Personalized Medicine
Classification: Uncertain significance. Last evaluated: 2020-03-16. Review status: criteria provided, single submitter. Criteria: LMM Criteria. Collection method: clinical testing. Allele origin: germline. Observed: 1 variant allele.
Comment: Variant classified as Uncertain Significance - Favor Benign. The p.Arg153Trp variant in OTOG has not been previously reported in individuals with hearing loss but has been identified in 0.1% (16/10152) of East Asian chromosomes by gnomAD. Computational prediction tools and conservation analyses do not provide strong support for or against an impact to the protein. In summary, while the clinical significance of this variant is uncertain, its frequency suggests that it is more likely to be benign. ACMG/AMP Criteria applied: BS1_Supporting.

NM_001292063.2(OTOG):c.421C>T (p.Arg141Trp)

Gene: OTOG (otogelin; plus strand). Cytogenetic location: 11p15.1.
Variant type: single nucleotide variant.
Coding change: c.421C>T on transcript NM_001292063.2 (MANE Select); coding-DNA position 421, C replaced by T.
Protein change: p.Arg141Trp; replaces arginine 141 with tryptophan.
Molecular consequence: missense variant.
Genome position (GRCh38, 1-based): chr11:17,553,400, C>T. VCF-style: chr11-17553400-C-T. GRCh37 (hg19) VCF-style: chr11-17574947-C-T.
Other names: c.457C>T, p.Arg153Trp (NM_001277269.2); short protein forms R153W, R141W.
Identifiers: ClinVar variation 930162 (VCV000930162.8), dbSNP rs752392477, ClinGen allele CA5905356.